The following is an entry in ClinVar:

NM_005751.5(AKAP9):c.11309G>C (p.Arg3770Thr)

Gene: AKAP9 (A-kinase anchoring protein 9; plus strand). Cytogenetic location: 7q21.2.
Variant type: single nucleotide variant.
Coding change: c.11309G>C on transcript NM_005751.5 (MANE Select); coding-DNA position 11309, G replaced by C.
Protein change: p.Arg3770Thr; replaces arginine 3770 with threonine.
Molecular consequence: missense variant.
Genome position (GRCh38, 1-based): chr7:92,102,805, G>C. VCF-style: chr7-92102805-G-C. GRCh37 (hg19) VCF-style: chr7-91732119-G-C.
Other names: c.11309G>C (NM_005751.4); c.5954G>C, p.Arg1985Thr (NM_001379277.1); c.11285G>C, p.Arg3762Thr (NM_147185.3); short protein forms R1985T, R3762T, R3770T.
Identifiers: ClinVar variation 1523283 (VCV001523283.7), dbSNP rs372941888, ClinGen allele CA4338144.

ClinVar aggregate classification (germline): Uncertain significance. Review status: criteria provided, multiple submitters, no conflicts (2 of 4 stars). 2 submissions from 2 submitters: Uncertain significance (2). Last evaluated 2024-12-13.

Conditions:
Long QT syndrome (LQTS). Identifiers: MedGen C0023976, MeSH D008133, MONDO:0002442. Disease mechanism: loss of function. Inheritance: Various modes of inheritance.
Cardiovascular phenotype. Identifiers: MedGen CN230736.

Allele frequency attached by ClinVar (database versions not stated): gnomAD exomes below 0.00001 and 0.00001; ExAC 0.00001; gnomAD 0.00001; TOPMed 0.00001; ESP Exome Variant Server 0.00008.
gnomAD v4.1: 21 of 1,614,056 alleles (0.0013%); highest among the groups gnomAD compares: Non-Finnish European, 0.0018%; no homozygotes.

Submissions (2):

Ambry Genetics
Classification: Uncertain significance for Cardiovascular phenotype. Last evaluated: 2024-12-13. Review status: criteria provided, single submitter. Criteria: Ambry Variant Classification Scheme 2023. Collection method: clinical testing. Allele origin: germline.
Comment: The p.R3770T variant (also known as c.11309G>C), located in coding exon 46 of the AKAP9 gene, results from a G to C substitution at nucleotide position 11309. The arginine at codon 3770 is replaced by threonine, an amino acid with similar properties. This amino acid position is highly conserved in available vertebrate species. In addition, the in silico prediction for this alteration is inconclusive. Based on the available evidence, the clinical significance of this variant remains unclear.

Labcorp Genetics (formerly Invitae), Labcorp
Classification: Uncertain significance for Long QT syndrome. Last evaluated: 2021-09-08. Review status: criteria provided, single submitter. Criteria: Invitae Variant Classification Sherloc (09022015). Collection method: clinical testing. Allele origin: germline.
Comment: This sequence change replaces arginine with threonine at codon 3770 of the AKAP9 protein (p.Arg3770Thr). The arginine residue is highly conserved and there is a moderate physicochemical difference between arginine and threonine. This variant is present in population databases (rs372941888, ExAC 0.002%). This variant has not been reported in the literature in individuals affected with AKAP9-related conditions. Algorithms developed to predict the effect of missense changes on protein structure and function are either unavailable or do not agree on the potential impact of this missense change (SIFT: "Deleterious"; PolyPhen-2: "Probably Damaging"; Align-GVGD: "Class C0"). In summary, the available evidence is currently insufficient to determine the role of this variant in disease. Therefore, it has been classified as a Variant of Uncertain Significance.